The following is an entry in ClinVar:

NM_001395159.1(UNC79):c.4193G>A (p.Arg1398Gln)

Gene: UNC79 (unc-79 subunit of NALCN channel complex; plus strand). Cytogenetic location: 14q32.12.
Variant type: single nucleotide variant.
Coding change: c.4193G>A on transcript NM_001395159.1 (MANE Select); coding-DNA position 4193, G replaced by A.
Protein change: p.Arg1398Gln; replaces arginine 1398 with glutamine.
Molecular consequence: missense variant.
Genome position (GRCh38, 1-based): chr14:93,617,207, G>A. VCF-style: chr14-93617207-G-A. GRCh37 (hg19) VCF-style: chr14-94083553-G-A.
Other names: c.4127G>A, p.Arg1376Gln (NM_001346218.2); c.3596G>A, p.Arg1199Gln (NM_020818.5); short protein forms R1376Q, R1199Q, R1398Q.
Identifiers: ClinVar variation 4634162 (VCV004634162.1).
Genomic context (GRCh38, chr14:93,617,207, plus strand): 5'-GAAAACACCTTCTCCCCTTAGTGGTTCAGGTGCTCAAATACTGCTCTTGTCCTCAACTCC[G>A]GCATTATTTCCAACAGCCGCCTCGTTGCTCCCTCTGGTCCCTAAAGCCTCACATCCGGCA-3'
Protein context (NP_001382088.1, residues 1388-1408): VLKYCSCPQL[Arg1398Gln]HYFQQPPRCS

ClinVar aggregate classification (germline): Uncertain significance (1 of 4 stars; one submission).

Conditions:
Inborn genetic diseases. Identifiers: MedGen C0950123, MeSH D030342.

gnomAD v4.1: 13 of 1,613,970 alleles (0.00081%); highest among the groups gnomAD compares: Middle Eastern, 0.016%; no homozygotes.

Submission:

Ambry Genetics
Classification: Uncertain significance for Inborn genetic diseases. Last evaluated: 2025-12-11. Review status: criteria provided, single submitter. Criteria: Ambry Variant Classification Scheme 2023. Collection method: clinical testing. Allele origin: germline.
Comment: The c.3596G>A (p.R1199Q) alteration is located in exon 28 (coding exon 25) of the UNC79 gene. This alteration results from a G to A substitution at nucleotide position 3596, causing the arginine (R) at amino acid position 1199 to be replaced by a glutamine (Q). Based on data from gnomAD, the A allele has an overall frequency of <0.001% (1/251360) total alleles studied. The highest observed frequency was 0.001% (1/113670) of European (non-Finnish) alleles. Based on insufficient or conflicting evidence, the clinical significance of this alteration remains unclear.